The following is an entry in ClinVar:

ClinVar aggregate classification (germline): Uncertain significance. Review status: criteria provided, multiple submitters, no conflicts (2 of 4 stars). 4 submissions from 4 submitters: Uncertain significance (3). 1 of the submissions does not count toward it. Last evaluated 2025-05-25.

Conditions:
TRIM32-related disorder. Also called: TRIM32-related condition.
Bardet-Biedl syndrome 11 (BBS11). Identifiers: Orphanet 110, MedGen C1859569, MONDO:0014439, OMIM 615988.
Sarcotubular myopathy (LGMDR8). Also called: Autosomal recessive limb-girdle muscular dystrophy type 2H; MUSCULAR DYSTROPHY, LIMB-GIRDLE, AUTOSOMAL RECESSIVE 8; Limb-girdle muscular dystrophy, type 2H; Hutterite type of muscular dystrophy. Identifiers: Orphanet 1878, MedGen C0270968, MONDO:0009683, OMIM 254110.
Bardet-Biedl syndrome (BBS). Identifiers: Orphanet 110, MedGen C0752166, MONDO:0015229.

Allele frequency attached by ClinVar (database versions not stated): TOPMed 0.00001; ESP Exome Variant Server 0.00008.
gnomAD v4.1: 3 of 1,614,002 alleles (0.00019%); highest among the groups gnomAD compares: Non-Finnish European, 0.00025%; no homozygotes.

Submissions (4):

Labcorp Genetics (formerly Invitae), Labcorp
Classification: Uncertain significance for Bardet-Biedl syndrome. Last evaluated: 2025-05-25. Review status: criteria provided, single submitter. Criteria: Invitae Variant Classification Sherloc (09022015). Collection method: clinical testing. Allele origin: germline.
Comment: This sequence change replaces arginine, which is basic and polar, with serine, which is neutral and polar, at codon 155 of the TRIM32 protein (p.Arg155Ser). This variant is present in population databases (rs374055553, gnomAD 0.0009%). This variant has not been reported in the literature in individuals affected with TRIM32-related conditions. ClinVar contains an entry for this variant (Variation ID: 597006). An algorithm developed to predict the effect of missense changes on protein structure and function (PolyPhen-2) suggests that this variant is likely to be tolerated. In summary, the available evidence is currently insufficient to determine the role of this variant in disease. Therefore, it has been classified as a Variant of Uncertain Significance.

Fulgent Genetics
Classification: Uncertain significance for Sarcotubular myopathy; Bardet-Biedl syndrome 11. Last evaluated: 2022-05-24. Review status: criteria provided, single submitter. Criteria: ACMG Guidelines, 2015. Collection method: clinical testing. Allele origin: unknown.

Eurofins Ntd Llc (ga)
Classification: Uncertain significance. Last evaluated: 2018-05-04. Review status: criteria provided, single submitter. Criteria: EGL ClinVar v180209 classification definitions. Collection method: clinical testing. Allele origin: germline. Observed: 1 variant allele, 1 heterozygote.

PreventionGenetics, part of Exact Sciences
Classification: Uncertain significance for TRIM32-related condition. Last evaluated: 2024-03-27. Review status: no assertion criteria provided. Collection method: clinical testing. Allele origin: germline. Not counted in ClinVar's aggregate classification.
Comment: The TRIM32 c.463C>A variant is predicted to result in the amino acid substitution p.Arg155Ser. To our knowledge, this variant has not been reported in the literature. This variant is reported in 0.00088% of alleles in individuals of European (Non-Finnish) descent in gnomAD. At this time, the clinical significance of this variant is uncertain due to the absence of conclusive functional and genetic evidence.

NM_012210.4(TRIM32):c.463C>A (p.Arg155Ser)

Genes: ASTN2 (astrotactin 2; minus strand), TRIM32 (tripartite motif containing 32; plus strand). Cytogenetic location: 9q33.1.
Variant type: single nucleotide variant.
Coding change: c.463C>A on transcript NM_012210.4 (MANE Select); coding-DNA position 463, C replaced by A.
Protein change: p.Arg155Ser; replaces arginine 155 with serine.
Molecular consequence: missense variant. On other transcripts: intron variant (3).
Genome position (GRCh38, 1-based): chr9:116,698,205, C>A. VCF-style: chr9-116698205-C-A. GRCh37 (hg19) VCF-style: chr9-119460484-C-A.
Other names: c.463C>A, p.Arg155Ser (NM_001099679.2, NM_001379048.1, NM_001379049.1 and 1 more transcripts); c.2653+27566G>T (NM_014010.5); c.2794+27566G>T (NM_001365069.1); c.2806+27566G>T (NM_001365068.1); short protein forms R155S.
Identifiers: ClinVar variation 597006 (VCV000597006.8), dbSNP rs374055553, ClinGen allele CA5210982.